The following is an entry in ClinVar:

NM_000478.6(ALPL):c.297+1G>A

Gene: ALPL (alkaline phosphatase, biomineralization associated; plus strand). Cytogenetic location: 1p36.12.
Variant type: single nucleotide variant.
Coding change: c.297+1G>A on transcript NM_000478.6 (MANE Select); the canonical splice donor site of the intron after coding-DNA position 297, G replaced by A.
Molecular consequence: splice donor variant. On other transcripts: intron variant (1).
Genome position (GRCh38, 1-based): chr1:21,561,213, G>A. VCF-style: chr1-21561213-G-A. GRCh37 (hg19) VCF-style: chr1-21887706-G-A.
Other names: c.297+1G>A (NM_001369805.2, NM_001369804.2, NM_001369803.2); c.132+1G>A (NM_001127501.4); c.66+468G>A (NM_001177520.3).
Identifiers: ClinVar variation 4060211 (VCV004060211.3).

ClinVar aggregate classification (germline): Pathogenic/Likely pathogenic. Review status: criteria provided, multiple submitters, no conflicts (2 of 4 stars). 2 submissions from 2 submitters: Pathogenic (1); Likely pathogenic (1). Last evaluated 2025-08-29.

Conditions:
Hypophosphatasia. Also called: Phosphoethanol-aminuria. Identifiers: Orphanet 436, MedGen C0020630, MeSH D007014, MONDO:0018570.

Submissions (2):

Genomenon, Inc
Classification: Pathogenic for Hypophosphatasia. Last evaluated: 2025-08-29. Review status: criteria provided, single submitter. Criteria: Genomenon Sequence Variant Interpretation Standards. Collection method: curation. Allele origin: germline. Affected: yes.
Comment: ALPL c.297+1G>A is a canonical splice variant located in the donor splice region of intron 4. This variant has been observed in at least one proband affected with hypophosphatasia (PMID:36361766). It is absent or not present at a significant frequency in gnomAD. In conclusion, we classify ALPL c.297+1G>A as a pathogenic variant.

Natera, Inc.
Classification: Likely pathogenic for Hypophosphatasia. Last evaluated: 2025-03-20. Review status: criteria provided, single submitter. Criteria: Natera Variant Classification Schema (03/2026). Collection method: clinical testing. Allele origin: germline.
Comment: The c.297+1G>A variant in ALPL is a canonical splice donor site variant predicted to affect pre-mRNA splicing, which may result in an abnormal transcript and altered protein product. This variant is expected to result in nonsense mediated decay, truncation, or a dysfunctional protein product. This variant is rare in the general population with a frequency below the threshold expected for the associated phenotype(s). Given the available evidence, this variant is classified as Likely Pathogenic.

Literature cited by the submitters: PubMed 36361766 (cited by Genomenon, Inc).